The following is an entry in ClinVar:

ClinVar aggregate classification (germline): Uncertain significance. Review status: criteria provided, multiple submitters, no conflicts (2 of 4 stars). 5 submissions from 5 submitters: Uncertain significance (5). Last evaluated 2025-03-23.

Conditions:
Hereditary cancer-predisposing syndrome. Also called: Hereditary Cancer Syndrome; Neoplastic Syndromes, Hereditary; Tumor predisposition; Hereditary neoplastic syndrome. Identifiers: Orphanet 140162, MedGen C0027672, MeSH D009386, MONDO:0015356.
Familial adenomatous polyposis 2. Also called: Adenomas, multiple colorectal; COLORECTAL ADENOMATOUS POLYPOSIS, AUTOSOMAL RECESSIVE; MYH-associated polyposis; FAP type 2; MUTYH-associated polyposis; MUTYH-related attenuated familial adenomatous polyposis. Identifiers: Orphanet 220460, Orphanet 247798, MedGen C3272841, MONDO:0012041, OMIM 608456.

Allele frequency attached by ClinVar (database versions not stated): TOPMed 0.00001.

Submissions (5):

Labcorp Genetics (formerly Invitae), Labcorp
Classification: Uncertain significance for Familial adenomatous polyposis 2. Last evaluated: 2025-03-23. Review status: criteria provided, single submitter. Criteria: Invitae Variant Classification Sherloc (09022015). Collection method: clinical testing. Allele origin: germline.
Comment: This sequence change falls in intron 1 of the MUTYH gene. It does not directly change the encoded amino acid sequence of the MUTYH protein. It affects a nucleotide within the consensus splice site. This variant is not present in population databases (gnomAD no frequency). This variant has not been reported in the literature in individuals affected with MUTYH-related conditions. ClinVar contains an entry for this variant (Variation ID: 573559). Variants that disrupt the consensus splice site are a relatively common cause of aberrant splicing (PMID: 17576681, 9536098). Algorithms developed to predict the effect of sequence changes on RNA splicing suggest that this variant may disrupt the consensus splice site. In summary, the available evidence is currently insufficient to determine the role of this variant in disease. Therefore, it has been classified as a Variant of Uncertain Significance.

Ambry Genetics
Classification: Uncertain significance for Hereditary cancer-predisposing syndrome. Last evaluated: 2024-03-05. Review status: criteria provided, single submitter. Criteria: Ambry Variant Classification Scheme 2023. Collection method: clinical testing. Allele origin: germline.
Comment: The c.36+4dupC intronic variant is located 4 nucleotides after coding exon 1 of the MUTYH gene. This variant results from a duplication of one nucleotide at position c.36+4. This nucleotide position is not well conserved in available vertebrate species. In silico splice site analysis predicts that this alteration will weaken the native splice donor site and may result in the creation or strengthening of a novel splice donor site; however, direct evidence is insufficient at this time (Ambry internal data). Based on the available evidence, the clinical significance of this alteration remains unclear.

Baylor Genetics
Classification: Uncertain significance for Familial adenomatous polyposis 2. Last evaluated: 2023-03-21. Review status: criteria provided, single submitter. Criteria: ACMG Guidelines, 2015. Collection method: clinical testing. Allele origin: unknown.

Quest Diagnostics Nichols Institute San Juan Capistrano
Classification: Uncertain significance. Last evaluated: 2023-01-13. Review status: criteria provided, single submitter. Criteria: Quest Diagnostics criteria. Collection method: clinical testing. Allele origin: unknown.
Comment: The variant has not been reported in the published literature. It also has not been reported in large, multi-ethnic general populations. Analysis of this variant using software algorithms for the prediction of the effect of nucleotide changes on MUTYH mRNA splicing yielded inconclusive findings . Based on the available information, we are unable to determine the clinical significance of this variant.

Color Diagnostics, LLC DBA Color Health
Classification: Uncertain significance for Hereditary cancer-predisposing syndrome. Last evaluated: 2019-04-22. Review status: criteria provided, single submitter. Criteria: ACMG Guidelines, 2015. Collection method: clinical testing. Allele origin: germline.

Literature cited by the submitters: PubMed 17576681 (cited by Labcorp Genetics (formerly Invitae), Labcorp); PubMed 9536098 (cited by Labcorp Genetics (formerly Invitae), Labcorp).

NM_001128425.2(MUTYH):c.36+4dup

Genes: MUTYH (mutY DNA glycosylase; minus strand), TOE1 (target of EGR1, exonuclease; plus strand). Cytogenetic location: 1p34.1.
Variant type: Duplication.
Coding change: c.36+4dup on transcript NM_001128425.2 (MANE Plus Clinical); 4 bases into the intron after coding-DNA position 36, one base duplicated (C; older notation c.36+4dupC).
Molecular consequence: intron variant. On other transcripts: 5 prime UTR variant (3).
Genome position (GRCh38, 1-based): chr1:45,340,215, G duplicated on the plus strand (C on the coding strand, the reverse complement: MUTYH is on the minus strand). VCF-style (leftmost placement, unchanged base first): chr1-45340214-C-CG. GRCh37 (hg19) VCF-style: chr1-45805886-C-CG.
Other names: c.36+4dupC (NM_001128425.1); c.-38dup (NM_025077.4); c.-19dup (NM_001407070.1, NM_001407071.1); c.-7+8dup (NM_001407072.1); c.-214+4dup (NM_001350651.2); c.-219+4dup (NM_001293192.2); c.-278+4dup (NM_001350650.2); c.36+4dup (NM_001407073.1, NM_001293190.2, NM_001407069.1 and 1 more transcripts); and 1 more.
Identifiers: ClinVar variation 573559 (VCV000573559.15), dbSNP rs1557517901, ClinGen allele CA891842444.